The following is an entry in ClinVar:

ClinVar aggregate classification (germline): Uncertain significance (1 of 4 stars; one submission).

Submission:

GeneDx
Classification: Uncertain significance. Last evaluated: 2025-02-26. Review status: criteria provided, single submitter. Criteria: GeneDx Variant Classification Process June 2021. Collection method: clinical testing. Allele origin: germline.
Comment: Not observed at significant frequency in large population cohorts (gnomAD); In silico analysis indicates that this missense variant does not alter protein structure/function; Has not been previously published as pathogenic or benign to our knowledge

NM_006662.3(SRCAP):c.4549T>C (p.Ser1517Pro)

Gene: SRCAP (Snf2 related CREBBP activator protein; plus strand). Cytogenetic location: 16p11.2.
Variant type: single nucleotide variant.
Coding change: c.4549T>C on transcript NM_006662.3 (MANE Select); coding-DNA position 4549, T replaced by C.
Protein change: p.Ser1517Pro; replaces serine 1517 with proline.
Molecular consequence: missense variant.
Genome position (GRCh38, 1-based): chr16:30,723,973, T>C. VCF-style: chr16-30723973-T-C. GRCh37 (hg19) VCF-style: chr16-30735294-T-C.
Other names: short protein forms S1517P.
Identifiers: ClinVar variation 3573897 (VCV003573897.2).